The following is an entry in ClinVar:

ClinVar aggregate classification (germline): Uncertain significance (1 of 4 stars; one submission).

Conditions:
Inborn genetic diseases. Identifiers: MedGen C0950123, MeSH D030342.

Submission:

Ambry Genetics
Classification: Uncertain significance for Inborn genetic diseases. Last evaluated: 2020-10-30. Review status: criteria provided, single submitter. Criteria: Ambry Variant Classification Scheme 2023. Collection method: clinical testing. Allele origin: germline.
Comment: The c.4606-4G>A intronic alteration results from a G to A substitution 4 nucleotides before coding exon 33 of the CACNA1E gene. Based on data from the Genome Aggregation Database (gnomAD), the CACNA1E c.4606-4G>A alteration was not observed, with coverage at this position. In silico splice site analysis predicts that this alteration will not have any significant effect on splicing. Based on insufficient or conflicting evidence, the clinical significance of this alteration remains unclear.

NM_001205293.3(CACNA1E):c.4606-4G>A

Gene: CACNA1E (calcium voltage-gated channel subunit alpha1 E; plus strand). Cytogenetic location: 1q25.3.
Variant type: single nucleotide variant.
Coding change: c.4606-4G>A on transcript NM_001205293.3 (MANE Select); 4 bases into the intron before coding-DNA position 4606, G replaced by A.
Molecular consequence: intron variant.
Genome position (GRCh38, 1-based): chr1:181,762,570, G>A. VCF-style: chr1-181762570-G-A. GRCh37 (hg19) VCF-style: chr1-181731706-G-A.
Other names: c.4606-4G>A (NM_000721.4); c.4549-4G>A (NM_001205294.2).
Identifiers: ClinVar variation 2227831 (VCV002227831.2), dbSNP rs2529031791, ClinGen allele CA2580061712.